The following is an entry in ClinVar:

ClinVar aggregate classification (germline): Uncertain significance. Review status: criteria provided, multiple submitters, no conflicts (2 of 4 stars). 5 submissions from 5 submitters: Uncertain significance (5). Last evaluated 2025-01-16.

Conditions:
Megacystis-microcolon-intestinal hypoperistalsis syndrome 1. Identifiers: MedGen C5542316, MONDO:0100354, OMIM 249210.
Aortic aneurysm, familial thoracic 7 (AAT7). Also called: AORTIC DISSECTION, FAMILIAL, WITH OR WITHOUT AORTIC ANEURYSM. Identifiers: MedGen C3151077, MONDO:0013418, OMIM 613780.
Familial thoracic aortic aneurysm and aortic dissection (TAAD). Also called: Thoracic aortic aneurysms and dissections. Identifiers: Orphanet 91387, MedGen C4707243, MONDO:0019625.

Allele frequency attached by ClinVar (database versions not stated): gnomAD 0.00001; gnomAD exomes 0.00001 and 0.00003; TOPMed 0.00001; ExAC 0.00002.
gnomAD v4.1: 22 of 1,614,052 alleles (0.0014%); highest among the groups gnomAD compares: Admixed American, 0.01%; no homozygotes.

Submissions (5):

Ambry Genetics
Classification: Uncertain significance for Familial thoracic aortic aneurysm and aortic dissection. Last evaluated: 2025-01-16. Review status: criteria provided, single submitter. Criteria: Ambry Variant Classification Scheme 2023. Collection method: clinical testing. Allele origin: germline.
Comment: The p.E1282K variant (also known as c.3844G>A), located in coding exon 20 of the MYLK gene, results from a G to A substitution at nucleotide position 3844. The glutamic acid at codon 1282 is replaced by lysine, an amino acid with similar properties. This variant was not reported in population based cohorts in the following databases: Database of Single Nucleotide Polymorphisms (dbSNP), NHLBI Exome Sequencing Project (ESP), and 1000 Genomes Project. In the ESP, this variant was not observed in 6503 samples (13006 alleles) with coverage at this position. Based on data from ExAC, the A allele has an overall frequency of: <0.01% (3/106188). This amino acid position is not well conserved in available vertebrate species. In addition, this alteration is predicted to be tolerated by in silico analysis. Since supporting evidence is limited at this time, the clinical significance of this variant remains unclear.

Women's Health and Genetics/Laboratory Corporation of America, LabCorp
Classification: Uncertain significance. Last evaluated: 2024-05-07. Review status: criteria provided, single submitter. Criteria: LabCorp Variant Classification Summary - May 2015. Collection method: clinical testing. Allele origin: germline.
Comment: Variant summary: MYLK c.3844G>A (p.Glu1282Lys) results in a conservative amino acid change located in the Immunoglobulin subtype 2 (IPR003892) of the encoded protein sequence. Three of five in-silico tools predict a benign effect of the variant on protein function. The variant allele was found at a frequency of 3.2e-05 in 250796 control chromosomes. The available data on variant occurrences in the general population are insufficient to allow any conclusion about variant significance. To our knowledge, no occurrence of c.3844G>A in individuals affected with Aortopathy and no experimental evidence demonstrating its impact on protein function have been reported. ClinVar contains an entry for this variant (Variation ID: 519989). Based on the evidence outlined above, the variant was classified as uncertain significance.

Labcorp Genetics (formerly Invitae), Labcorp
Classification: Uncertain significance for Aortic aneurysm, familial thoracic 7. Last evaluated: 2024-03-01. Review status: criteria provided, single submitter. Criteria: Invitae Variant Classification Sherloc (09022015). Collection method: clinical testing. Allele origin: germline.
Comment: This sequence change replaces glutamic acid, which is acidic and polar, with lysine, which is basic and polar, at codon 1282 of the MYLK protein (p.Glu1282Lys). This variant is present in population databases (rs765252740, gnomAD 0.01%). This missense change has been observed in individual(s) with thoracic aortic aneurysm and dissection (Invitae). ClinVar contains an entry for this variant (Variation ID: 519989). Advanced modeling of protein sequence and biophysical properties (such as structural, functional, and spatial information, amino acid conservation, physicochemical variation, residue mobility, and thermodynamic stability) performed at Invitae indicates that this missense variant is not expected to disrupt MYLK protein function with a negative predictive value of 80%. In summary, the available evidence is currently insufficient to determine the role of this variant in disease. Therefore, it has been classified as a Variant of Uncertain Significance.

Fulgent Genetics
Classification: Uncertain significance for Megacystis-microcolon-intestinal hypoperistalsis syndrome 1; Aortic aneurysm, familial thoracic 7. Last evaluated: 2021-08-12. Review status: criteria provided, single submitter. Criteria: ACMG Guidelines, 2015. Collection method: clinical testing. Allele origin: unknown.

GeneDx
Classification: Uncertain significance. Last evaluated: 2019-09-27. Review status: criteria provided, single submitter. Criteria: GeneDx Variant Classification Process June 2021. Collection method: clinical testing. Allele origin: germline. Affected: yes.
Comment: In silico analysis, which includes protein predictors and evolutionary conservation, supports a deleterious effect; Has not been previously published as pathogenic or benign to our knowledge

NM_053025.4(MYLK):c.3844G>A (p.Glu1282Lys)

Gene: MYLK (myosin light chain kinase; minus strand). Cytogenetic location: 3q21.1.
Variant type: single nucleotide variant.
Coding change: c.3844G>A on transcript NM_053025.4 (MANE Select); coding-DNA position 3844, G replaced by A.
Protein change: p.Glu1282Lys; replaces glutamic acid 1282 with lysine.
Molecular consequence: missense variant.
Genome position (GRCh38, 1-based): chr3:123,664,246, C>T on the plus strand (G>A on the coding strand, the complement: MYLK is on the minus strand). VCF-style: chr3-123664246-C-T. GRCh37 (hg19) VCF-style: chr3-123383093-C-T.
Other names: c.3316G>A, p.Glu1106Lys (NM_001321309.2); c.3637G>A, p.Glu1213Lys (NM_053026.4, NM_053028.4); c.3844G>A, p.Glu1282Lys (NM_053027.4); short protein forms E1282K, E1213K, E1106K.
Identifiers: ClinVar variation 519989 (VCV000519989.18), dbSNP rs765252740, ClinGen allele CA070346.